The following is an entry in ClinVar:

ClinVar aggregate classification (germline): Uncertain significance (1 of 4 stars; one submission).

Allele frequency attached by ClinVar (database versions not stated): gnomAD exomes 0.00001 and 0.00003.
gnomAD v4.1: 30 of 1,205,699 alleles (0.0025%); highest among the groups gnomAD compares: Non-Finnish European, 0.0034%; no homozygotes.

Submission:

Labcorp Genetics (formerly Invitae), Labcorp
Classification: Uncertain significance. Last evaluated: 2025-07-14. Review status: criteria provided, single submitter. Criteria: Invitae Variant Classification Sherloc (09022015). Collection method: clinical testing. Allele origin: germline.
Comment: This sequence change replaces threonine, which is neutral and polar, with alanine, which is neutral and non-polar, at codon 378 of the DRP2 protein (p.Thr378Ala). The frequency data for this variant in the population databases is considered unreliable, as metrics indicate poor data quality at this position in the gnomAD database. This variant has not been reported in the literature in individuals affected with DRP2-related conditions. ClinVar contains an entry for this variant (Variation ID: 1377635). Invitae Evidence Modeling of protein sequence and biophysical properties (such as structural, functional, and spatial information, amino acid conservation, physicochemical variation, residue mobility, and thermodynamic stability) has been performed for this missense variant. However, the output from this modeling did not meet the statistical confidence thresholds required to predict the impact of this variant on DRP2 protein function. In summary, the available evidence is currently insufficient to determine the role of this variant in disease. Therefore, it has been classified as a Variant of Uncertain Significance.

NM_001939.3(DRP2):c.1132A>G (p.Thr378Ala)

Gene: DRP2 (dystrophin related protein 2; plus strand). Cytogenetic location: Xq22.1.
Variant type: single nucleotide variant.
Coding change: c.1132A>G on transcript NM_001939.3 (MANE Select); coding-DNA position 1132, A replaced by G.
Protein change: p.Thr378Ala; replaces threonine 378 with alanine.
Molecular consequence: missense variant.
Genome position (GRCh38, 1-based): chrX:101,245,404, A>G. VCF-style: chrX-101245404-A-G. GRCh37 (hg19) VCF-style: chrX-100500393-A-G.
Other names: c.898A>G, p.Thr300Ala (NM_001171184.2); short protein forms T300A, T378A.
Identifiers: ClinVar variation 1377635 (VCV001377635.6), dbSNP rs1311687989, ClinGen allele CA413922276.